The following is an entry in ClinVar:

NM_001085487.3(MYSM1):c.793T>C (p.Ser265Pro)

Gene: MYSM1 (Myb like, SWIRM and MPN domains 1; minus strand). Cytogenetic location: 1p32.1.
Variant type: single nucleotide variant.
Coding change: c.793T>C on transcript NM_001085487.3 (MANE Select); coding-DNA position 793, T replaced by C.
Protein change: p.Ser265Pro; replaces serine 265 with proline.
Molecular consequence: missense variant.
Genome position (GRCh38, 1-based): chr1:58,682,251, A>G on the plus strand (T>C on the coding strand, the complement: MYSM1 is on the minus strand). VCF-style: chr1-58682251-A-G. GRCh37 (hg19) VCF-style: chr1-59147923-A-G.
Other names: short protein forms S265P.
Identifiers: ClinVar variation 2407513 (VCV002407513.3), dbSNP rs2524284270, ClinGen allele CA340528140.
Genomic context (GRCh38, chr1:58,682,251, plus strand): 5'-GCTTTTCATTTTGAAGACAGCCCCTGGAAGACTTAGAAAAGAGAGCTTCCTGGCTGTCAG[A>G]AGTAATGAATTCTCCTTGATTGGTTTCATGCATTTTACTATTAGGAAAGTCTAACAAGAG-3'
Protein context (NP_001078956.1, residues 255-275): HETNQGEFIT[Ser265Pro]DSQEALFSKS

ClinVar aggregate classification (germline): Uncertain significance. Review status: criteria provided, multiple submitters, no conflicts (2 of 4 stars). 2 submissions from 2 submitters: Uncertain significance (2). Last evaluated 2025-06-05.

Conditions:
Inborn genetic diseases. Identifiers: MedGen C0950123, MeSH D030342.

Submissions (2):

Labcorp Genetics (formerly Invitae), Labcorp
Classification: Uncertain significance. Last evaluated: 2025-06-05. Review status: criteria provided, single submitter. Criteria: Invitae Variant Classification Sherloc (09022015). Collection method: clinical testing. Allele origin: germline.
Comment: This sequence change replaces serine, which is neutral and polar, with proline, which is neutral and non-polar, at codon 265 of the MYSM1 protein (p.Ser265Pro). This variant is not present in population databases (gnomAD no frequency). This variant has not been reported in the literature in individuals affected with MYSM1-related conditions. ClinVar contains an entry for this variant (Variation ID: 2407513). Invitae Evidence Modeling of protein sequence and biophysical properties (such as structural, functional, and spatial information, amino acid conservation, physicochemical variation, residue mobility, and thermodynamic stability) indicates that this missense variant is not expected to disrupt MYSM1 protein function with a negative predictive value of 80%. In summary, the available evidence is currently insufficient to determine the role of this variant in disease. Therefore, it has been classified as a Variant of Uncertain Significance.

Ambry Genetics
Classification: Uncertain significance for Inborn genetic diseases. Last evaluated: 2021-08-13. Review status: criteria provided, single submitter. Criteria: Ambry Variant Classification Scheme 2023. Collection method: clinical testing. Allele origin: germline.